The following is an entry in ClinVar:

ClinVar aggregate classification (germline): Pathogenic. Review status: criteria provided, multiple submitters, no conflicts (2 of 4 stars). 2 submissions from 2 submitters: Pathogenic (2). Last evaluated 2025-03-04.

Conditions:
Familial adenomatous polyposis 1 (FAP1). Also called: POLYPOSIS, ADENOMATOUS INTESTINAL; FAMILIAL ADENOMATOUS POLYPOSIS 1, ATTENUATED. Identifiers: MedGen C2713442, MONDO:0021056, OMIM 175100. Disease mechanism: loss of function.

Submissions (2):

Center for Genomic Medicine, Rigshospitalet, Copenhagen University Hospital
Classification: Pathogenic. Last evaluated: 2025-03-04. Review status: criteria provided, single submitter. Criteria: ACMG Guidelines, 2015. Collection method: clinical testing. Allele origin: germline.

Myriad Genetics, Inc.
Classification: Pathogenic for Familial adenomatous polyposis 1. Last evaluated: 2023-05-15. Review status: criteria provided, single submitter. Criteria: Myriad Autosomal Dominant, Autosomal Recessive and X-Linked Classification Criteria (2023). Collection method: clinical testing. Allele origin: unknown.
Comment: This variant is considered pathogenic. This variant creates a termination codon and is predicted to result in premature protein truncation.

NM_000038.6(APC):c.6514G>T (p.Glu2172Ter)

Gene: APC (APC regulator of Wnt signaling pathway; plus strand). Cytogenetic location: 5q22.2.
Variant type: single nucleotide variant.
Coding change: c.6514G>T on transcript NM_000038.6 (MANE Select); coding-DNA position 6514, G replaced by T.
Protein change: p.Glu2172Ter; replaces glutamic acid 2172 with a stop codon.
Molecular consequence: nonsense.
Genome position (GRCh38, 1-based): chr5:112,842,108, G>T. VCF-style: chr5-112842108-G-T. GRCh37 (hg19) VCF-style: chr5-112177805-G-T.
Other names: c.6514G>T, p.Glu2172Ter (NM_001127510.3, NM_001354895.2); c.6460G>T, p.Glu2154Ter (NM_001127511.3); c.6568G>T, p.Glu2190Ter (NM_001354896.2); c.6544G>T, p.Glu2182Ter (NM_001354897.2); c.6439G>T, p.Glu2147Ter (NM_001354898.2); c.6430G>T, p.Glu2144Ter (NM_001354899.2); c.6391G>T, p.Glu2131Ter (NM_001354900.2); c.6337G>T, p.Glu2113Ter (NM_001354901.2); and 5 more; short protein forms E1889*, E2012*, E2046*, E2071*, E2081*, E2113*, E2131*, E2144*.
Identifiers: ClinVar variation 1697527 (VCV001697527.8), dbSNP rs864622314, ClinGen allele CA16035580.